The following is an entry in ClinVar:

ClinVar aggregate classification (germline): Uncertain significance (1 of 4 stars; one submission).

Submission:

Labcorp Genetics (formerly Invitae), Labcorp
Classification: Uncertain significance. Last evaluated: 2025-01-27. Review status: criteria provided, single submitter. Criteria: Invitae Variant Classification Sherloc (09022015). Collection method: clinical testing. Allele origin: germline.
Comment: This sequence change replaces proline, which is neutral and non-polar, with leucine, which is neutral and non-polar, at codon 939 of the COL7A1 protein (p.Pro939Leu). This variant is present in population databases (no rsID available, gnomAD 0.01%). This variant has not been reported in the literature in individuals affected with COL7A1-related conditions. ClinVar contains an entry for this variant (Variation ID: 2199479). Experimental studies and prediction algorithms are not available or were not evaluated, and the functional significance of this variant is currently unknown. In summary, the available evidence is currently insufficient to determine the role of this variant in disease. Therefore, it has been classified as a Variant of Uncertain Significance.

NM_000094.4(COL7A1):c.2816_2817inv (p.Pro939Leu)

Gene: COL7A1 (collagen type VII alpha 1 chain; minus strand). Cytogenetic location: 3p21.31.
Variant type: Inversion.
Coding change: c.2816_2817inv on transcript NM_000094.4 (MANE Select).
Protein change: p.Pro939Leu; replaces proline 939 with leucine.
Molecular consequence: missense variant.
Genome position: GRCh38 VCF-style: chr3-48587833-TG-CA. GRCh37 (hg19) VCF-style: chr3-48625266-TG-CA.
Other names: short protein forms P939L.
Identifiers: ClinVar variation 2199479 (VCV002199479.2), ClinGen allele CA2580069947.